The following is an entry in ClinVar:

NM_001184.4(ATR):c.7073G>T (p.Arg2358Ile)

Gene: ATR (ATR checkpoint kinase; minus strand). Cytogenetic location: 3q23.
Variant type: single nucleotide variant.
Coding change: c.7073G>T on transcript NM_001184.4 (MANE Select); coding-DNA position 7073, G replaced by T.
Protein change: p.Arg2358Ile; replaces arginine 2358 with isoleucine.
Molecular consequence: missense variant.
Genome position (GRCh38, 1-based): chr3:142,462,059, C>A on the plus strand (G>T on the coding strand, the complement: ATR is on the minus strand). VCF-style: chr3-142462059-C-A. GRCh37 (hg19) VCF-style: chr3-142180901-C-A.
Other names: c.6881G>T, p.Arg2294Ile (NM_001354579.2); short protein forms R2294I, R2358I.
Identifiers: ClinVar variation 3221275 (VCV003221275.1), dbSNP rs2071032583, ClinGen allele CA354799827.

ClinVar aggregate classification (germline): Uncertain significance (1 of 4 stars; one submission).

Conditions:
Inborn genetic diseases. Identifiers: MedGen C0950123, MeSH D030342.

Submission:

Ambry Genetics
Classification: Uncertain significance for Inborn genetic diseases. Last evaluated: 2023-12-18. Review status: criteria provided, single submitter. Criteria: Ambry Variant Classification Scheme 2023. Collection method: clinical testing. Allele origin: germline.
Comment: The p.R2358I variant (also known as c.7073G>T), located in coding exon 42 of the ATR gene, results from a G to T substitution at nucleotide position 7073. The arginine at codon 2358 is replaced by isoleucine, an amino acid with similar properties. This amino acid position is conserved. In addition, this alteration is predicted to be deleterious by in silico analysis. Since supporting evidence is limited at this time, the clinical significance of this alteration remains unclear.